The following is an entry in ClinVar:

ClinVar aggregate classification (germline): Uncertain significance (1 of 4 stars; one submission).

Conditions:
Hereditary pancreatitis (PCTT). Also called: Hereditary chronic pancreatitis; PRSS1-Related Hereditary Pancreatitis. Identifiers: Orphanet 676, MedGen C0238339, MONDO:0008185, OMIM 167800.

gnomAD v4.1: 3 of 1,614,230 alleles (0.00019%); highest among the groups gnomAD compares: Non-Finnish European, 0.00025%; no homozygotes.

Submission:

Ambry Genetics
Classification: Uncertain significance for Hereditary pancreatitis. Last evaluated: 2026-05-04. Review status: criteria provided, single submitter. Criteria: Ambry Variant Classification Scheme 2023. Collection method: clinical testing. Allele origin: germline.
Comment: The p.S307G variant (also known as c.919A>G), located in coding exon 8 of the CPA1 gene, results from an A to G substitution at nucleotide position 919. The serine at codon 307 is replaced by glycine, an amino acid with similar properties. This amino acid position is conserved. In addition, the in silico prediction for this alteration is inconclusive. Based on the available evidence, the clinical significance of this variant remains unclear.

NM_001868.4(CPA1):c.919A>G (p.Ser307Gly)

Gene: CPA1 (carboxypeptidase A1; plus strand). Cytogenetic location: 7q32.2.
Variant type: single nucleotide variant.
Coding change: c.919A>G on transcript NM_001868.4 (MANE Select); coding-DNA position 919, A replaced by G.
Protein change: p.Ser307Gly; replaces serine 307 with glycine.
Molecular consequence: missense variant.
Genome position (GRCh38, 1-based): chr7:130,385,277, A>G. VCF-style: chr7-130385277-A-G. GRCh37 (hg19) VCF-style: chr7-130025118-A-G.
Other names: short protein forms S307G.
Identifiers: ClinVar variation 4869370 (VCV004869370.1).
Genomic context (GRCh38, chr7:130,385,277, plus strand): 5'-AAGTCCATTGTAGACTTTGTGAAGGACCATGGGAACATCAAGGCCTTCATCTCCATCCAC[A>G]GCTACTCCCAGCTCCTCATGTATCCCTATGGCTACAAAACAGAACCAGTCCCTGACCAGG-3'
Protein context (NP_001859.1, residues 297-317): GNIKAFISIH[Ser307Gly]YSQLLMYPYG